The following is an entry in ClinVar:

ClinVar aggregate classification (germline): Uncertain significance (1 of 4 stars; one submission).

Conditions:
Developmental and epileptic encephalopathy, 42 (DEE42A). Also called: DEVELOPMENTAL AND EPILEPTIC ENCEPHALOPATHY 42A; EPILEPTIC ENCEPHALOPATHY, EARLY INFANTILE, 42A; Epileptic encephalopathy, early infantile, 42. Identifiers: MedGen C4310716, MONDO:0014917, OMIM 617106.
Episodic ataxia type 2 (EA2). Also called: ACETAZOLAMIDE-RESPONSIVE HEREDITARY PAROXYSMAL CEREBELLAR ATAXIA; ATAXIA, EPISODIC, WITH NYSTAGMUS; ATAXIA, FAMILIAL PAROXYSMAL; CEREBELLAR ATAXIA, PAROXYSMAL, ACETAZOLAMIDE-RESPONSIVE; CEREBELLOPATHY, HEREDITARY PAROXYSMAL; EPISODIC ATAXIA, NYSTAGMUS-ASSOCIATED. Identifiers: Orphanet 97, MedGen C1720416, MONDO:0007163, OMIM 108500.

gnomAD v4.1: 2 of 1,565,108 alleles (0.00013%); highest among the groups gnomAD compares: African/African-American, 0.0014%; no homozygotes.

Submission:

Labcorp Genetics (formerly Invitae), Labcorp
Classification: Uncertain significance for Developmental and epileptic encephalopathy, 42; Episodic ataxia type 2. Last evaluated: 2022-11-14. Review status: criteria provided, single submitter. Criteria: Invitae Variant Classification Sherloc (09022015). Collection method: clinical testing. Allele origin: germline.
Comment: This variant has not been reported in the literature in individuals affected with CACNA1A-related conditions. This sequence change replaces glutamic acid, which is acidic and polar, with aspartic acid, which is acidic and polar, at codon 942 of the CACNA1A protein (p.Glu942Asp). This variant is present in population databases (rs374511141, gnomAD 0.001%). Advanced modeling of protein sequence and biophysical properties (such as structural, functional, and spatial information, amino acid conservation, physicochemical variation, residue mobility, and thermodynamic stability) performed at Invitae indicates that this missense variant is not expected to disrupt CACNA1A protein function. In summary, the available evidence is currently insufficient to determine the role of this variant in disease. Therefore, it has been classified as a Variant of Uncertain Significance.

NM_001127222.2(CACNA1A):c.2823G>C (p.Glu941Asp)

Gene: CACNA1A (calcium voltage-gated channel subunit alpha1 A; minus strand). Cytogenetic location: 19p13.13.
Variant type: single nucleotide variant.
Coding change: c.2823G>C on transcript NM_001127222.2 (MANE Select); coding-DNA position 2823, G replaced by C.
Protein change: p.Glu941Asp; replaces glutamic acid 941 with aspartic acid.
Molecular consequence: missense variant.
Genome position (GRCh38, 1-based): chr19:13,298,810, C>G on the plus strand (G>C on the coding strand, the complement: CACNA1A is on the minus strand). VCF-style: chr19-13298810-C-G. GRCh37 (hg19) VCF-style: chr19-13409624-C-G.
Other names: c.2835G>C, p.Glu945Asp (NM_000068.4, NM_023035.3); c.2826G>C, p.Glu942Asp (NM_001127221.2, NM_001174080.2); short protein forms E941D, E945D, E942D.
Identifiers: ClinVar variation 2922522 (VCV002922522.3), dbSNP rs374511141, ClinGen allele CA9240467.
Genomic context (GRCh38, chr19:13,298,810, plus strand): 5'-GTGCGCGCGATGACGTCGATGCTCCCCGTCCGCGCCCGTGCGCGGGGACCCGCTGCGGCT[C>G]TCCCTGCTGCCCCCCTGCCGGTGCACGTGCCTCCGGTGGGGGTCCCCGGCCTTGCCTCGC-3'
Protein context (NP_001120694.1, residues 931-951): RHVHRQGGSR[Glu941Asp]SRSGSPRTGA